The following is an entry in ClinVar:

ClinVar aggregate classification (germline): Uncertain significance (1 of 4 stars; one submission).

Conditions:
Primary immunodeficiency with post-measles-mumps-rubella vaccine viral infection. Also called: Immunodeficiency 44. Identifiers: Orphanet 431166, MedGen C4225260, MONDO:0014715, OMIM 616636.

Submission:

Labcorp Genetics (formerly Invitae), Labcorp
Classification: Uncertain significance for Primary immunodeficiency with post-measles-mumps-rubella vaccine viral infection. Last evaluated: 2020-11-02. Review status: criteria provided, single submitter. Criteria: Invitae Variant Classification Sherloc (09022015). Collection method: clinical testing. Allele origin: germline.
Comment: This sequence change replaces aspartic acid with glutamic acid at codon 619 of the STAT2 protein (p.Asp619Glu). The aspartic acid residue is moderately conserved and there is a small physicochemical difference between aspartic acid and glutamic acid. This variant is not present in population databases (ExAC no frequency). In summary, the available evidence is currently insufficient to determine the role of this variant in disease. Therefore, it has been classified as a Variant of Uncertain Significance. Advanced modeling of protein sequence and biophysical properties (such as structural, functional, and spatial information, amino acid conservation, physicochemical variation, residue mobility, and thermodynamic stability) performed at Invitae indicates that this missense variant is not expected to disrupt STAT2 protein function. This variant has not been reported in the literature in individuals with STAT2-related conditions.

NM_005419.4(STAT2):c.1857T>G (p.Asp619Glu)

Gene: STAT2 (signal transducer and activator of transcription 2; minus strand). Cytogenetic location: 12q13.3.
Variant type: single nucleotide variant.
Coding change: c.1857T>G on transcript NM_005419.4 (MANE Select); coding-DNA position 1857, T replaced by G.
Protein change: p.Asp619Glu; replaces aspartic acid 619 with glutamic acid.
Molecular consequence: missense variant.
Genome position (GRCh38, 1-based): chr12:56,346,823, A>C on the plus strand (T>G on the coding strand, the complement: STAT2 is on the minus strand). VCF-style: chr12-56346823-A-C. GRCh37 (hg19) VCF-style: chr12-56740607-A-C.
Other names: c.1824T>G, p.Asp608Glu (NM_001385110.1); c.1758T>G, p.Asp586Glu (NM_001385111.1); c.1857T>G, p.Asp619Glu (NM_001385113.1); c.1836T>G, p.Asp612Glu (NM_001385114.1); c.1815T>G, p.Asp605Glu (NM_001385115.1); c.1845T>G, p.Asp615Glu (NM_198332.2); short protein forms D586E, D605E, D608E, D612E, D615E, D619E.
Identifiers: ClinVar variation 1524506 (VCV001524506.8), dbSNP rs2136044076, ClinGen allele CA385259908.